The following is an entry in ClinVar:

NM_000088.4(COL1A1):c.260C>T (p.Pro87Leu)

Gene: COL1A1 (collagen type I alpha 1 chain; minus strand). Cytogenetic location: 17q21.33.
Variant type: single nucleotide variant.
Coding change: c.260C>T on transcript NM_000088.4 (MANE Select); coding-DNA position 260, C replaced by T.
Protein change: p.Pro87Leu; replaces proline 87 with leucine.
Molecular consequence: missense variant.
Genome position (GRCh38, 1-based): chr17:50,199,791, G>A on the plus strand (C>T on the coding strand, the complement: COL1A1 is on the minus strand). VCF-style: chr17-50199791-G-A. GRCh37 (hg19) VCF-style: chr17-48277152-G-A.
Other names: short protein forms P87L.
Identifiers: ClinVar variation 654263 (VCV000654263.11), dbSNP rs926503489, ClinGen allele CA291551073.

ClinVar aggregate classification (germline): Uncertain significance. Review status: criteria provided, multiple submitters, no conflicts (2 of 4 stars). 4 submissions from 4 submitters: Uncertain significance (4). Last evaluated 2026-06-14.

Conditions:
Cardiovascular phenotype. Identifiers: MedGen CN230736.
Osteogenesis imperfecta type I (OI1). Also called: OI, TYPE I; OSTEOGENESIS IMPERFECTA TARDA; OSTEOGENESIS IMPERFECTA WITH BLUE SCLERAE; Osteogenesis imperfecta type 1; Lobstein disease; Lobstein's Disease. Identifiers: Orphanet 216796, Orphanet 666, MedGen C0023931, MONDO:0008146, OMIM 166200. Disease mechanism: loss of function.
COL1A1-related disorder. Also called: COL1A1- related disease; COL1A1-related condition.

gnomAD v4.1: 1 of 1,613,744 alleles (0.000062%); no homozygotes.

Submissions (4):

Ambry Genetics
Classification: Uncertain significance for Cardiovascular phenotype. Last evaluated: 2026-06-14. Review status: criteria provided, single submitter. Criteria: Ambry Variant Classification Scheme 2023. Collection method: clinical testing. Allele origin: germline.
Comment: The p.P87L variant (also known as c.260C>T), located in coding exon 2 of the COL1A1 gene, results from a C to T substitution at nucleotide position 260. The proline at codon 87 is replaced by leucine, an amino acid with similar properties. This amino acid position is conserved. In addition, this alteration is predicted to be tolerated by in silico analysis. Based on the available evidence, the clinical significance of this variant remains unclear.

PreventionGenetics, part of Exact Sciences
Classification: Uncertain significance for COL1A1-related condition. Last evaluated: 2025-11-11. Review status: criteria provided, single submitter. Criteria: ACMG Guidelines, 2015. Collection method: clinical testing. Allele origin: germline.
Comment: The COL1A1 c.260C>T variant is predicted to result in the amino acid substitution p.Pro87Leu. To our knowledge, this variant has not been reported in the literature or in a large population database (gnomAD), indicating this variant is rare. At this time, the clinical significance of this variant is uncertain due to the absence of conclusive functional and genetic evidence.

Labcorp Genetics (formerly Invitae), Labcorp
Classification: Uncertain significance for Osteogenesis imperfecta type I. Last evaluated: 2023-09-06. Review status: criteria provided, single submitter. Criteria: Invitae Variant Classification Sherloc (09022015). Collection method: clinical testing. Allele origin: germline.
Comment: This sequence change replaces proline, which is neutral and non-polar, with leucine, which is neutral and non-polar, at codon 87 of the COL1A1 protein (p.Pro87Leu). This variant is not present in population databases (gnomAD no frequency). This variant has not been reported in the literature in individuals affected with COL1A1-related conditions. ClinVar contains an entry for this variant (Variation ID: 654263). Advanced modeling of protein sequence and biophysical properties (such as structural, functional, and spatial information, amino acid conservation, physicochemical variation, residue mobility, and thermodynamic stability) performed at Invitae indicates that this missense variant is not expected to disrupt COL1A1 protein function. In summary, the available evidence is currently insufficient to determine the role of this variant in disease. Therefore, it has been classified as a Variant of Uncertain Significance.

ARUP Laboratories, Molecular Genetics and Genomics, ARUP Laboratories
Classification: Uncertain significance. Last evaluated: 2023-03-03. Review status: criteria provided, single submitter. Criteria: ARUP Molecular Germline Variant Investigation Process 2024. Collection method: clinical testing. Allele origin: germline.
Comment: The COL1A1 c.260C>T; p.Pro87Leu variant (rs926503489), to our knowledge, is not reported in the medical literature but is reported in ClinVar (Variation ID: 654263). This variant is also absent from the Genome Aggregation Database, indicating it is not a common polymorphism. Computational analyses are uncertain whether this variant is neutral or deleterious (REVEL: 0.184). Due to limited information, the clinical significance of this variant is uncertain at this time.